The following is an entry in ClinVar:

NM_032634.4(PIGO):c.1361del (p.Gly454fs)

Gene: PIGO (phosphatidylinositol glycan anchor biosynthesis class O; minus strand). Cytogenetic location: 9p13.3.
Variant type: Deletion.
Coding change: c.1361del on transcript NM_032634.4 (MANE Select); coding-DNA position 1361, one base deleted (G; older notation c.1361delG).
Protein change: p.Gly454fs; shifts the reading frame from glycine 454.
Molecular consequence: frameshift variant. On other transcripts: intron variant (2).
Genome position (GRCh38, 1-based): chr9:35,092,526, C deleted on the plus strand (G on the coding strand, the reverse complement: PIGO is on the minus strand); the first of 6 consecutive C bases (chr9:35,092,526-35,092,531); deleting any one gives the same sequence. VCF-style (leftmost placement, unchanged base first): chr9-35092525-AC-A. GRCh37 (hg19) VCF-style: chr9-35092522-AC-A.
Other names: c.1344+17del (NM_152850.4, NM_001201484.2); short protein forms G454fs.
Identifiers: ClinVar variation 2839158 (VCV002839158.3), dbSNP rs745452743, ClinGen allele CA464603685.

ClinVar aggregate classification (germline): Pathogenic (1 of 4 stars; one submission).

Conditions:
Hyperphosphatasia with impaired intellectual development syndrome 2. Also called: GLYCOSYLPHOSPHATIDYLINOSITOL BIOSYNTHESIS DEFECT 6; Hyperphosphatasia with intellectual disability syndrome 2. Identifiers: Orphanet 247262, MedGen C3553637, MONDO:0013882, OMIM 614749.

Submission:

Labcorp Genetics (formerly Invitae), Labcorp
Classification: Pathogenic for Hyperphosphatasia with impaired intellectual development syndrome 2. Last evaluated: 2023-07-27. Review status: criteria provided, single submitter. Criteria: Invitae Variant Classification Sherloc (09022015). Collection method: clinical testing. Allele origin: germline.
Comment: For these reasons, this variant has been classified as Pathogenic. This variant has not been reported in the literature in individuals affected with PIGO-related conditions. This variant is not present in population databases (gnomAD no frequency). This sequence change creates a premature translational stop signal (p.Gly454Valfs*31) in the PIGO gene. It is expected to result in an absent or disrupted protein product. Loss-of-function variants in PIGO are known to be pathogenic (PMID: 22683086, 24417746).

Literature cited by the submitters: PubMed 22683086; PubMed 24417746.